The following is an entry in ClinVar:

ClinVar aggregate classification (germline): Pathogenic (1 of 4 stars; one submission).

Conditions:
Inborn genetic diseases. Identifiers: MedGen C0950123, MeSH D030342.

Submission:

Ambry Genetics
Classification: Pathogenic for Inborn genetic diseases. Last evaluated: 2022-07-08. Review status: criteria provided, single submitter. Criteria: Ambry Variant Classification Scheme 2023. Collection method: clinical testing. Allele origin: germline.
Comment: The c.254C>A (p.S85*) alteration, located in exon 2 (coding exon 2) of the HESX1 gene, consists of a C to A substitution at nucleotide position 254. This changes the amino acid from a serine (S) to a stop codon at amino acid position 85. This alteration is expected to result in loss of function by premature protein truncation or nonsense-mediated mRNA decay. Although biallelic loss of function alterations in HESX1 have been associated with autosomal recessive autosomal recessive HESX1-related congenital pituitary anomalies, haploinsufficiency for HESX1 has not been clearly established as a mechanism of disease for autosomal dominant HESX1-related congenital pituitary anomalies. Based on the available evidence, the c.254C>A (p.S85*) alteration is classified as pathogenic for autosomal recessive HESX1-related congenital pituitary anomalies; however, its clinical significance for autosomal dominant HESX1-related congenital pituitary anomalies is unclear. This variant was not reported in population-based cohorts in the Genome Aggregation Database (gnomAD). Based on the available evidence, this alteration is classified as pathogenic.

NM_003865.3(HESX1):c.254C>A (p.Ser85Ter)

Gene: HESX1 (HESX homeobox 1; minus strand). Cytogenetic location: 3p14.3.
Variant type: single nucleotide variant.
Coding change: c.254C>A on transcript NM_003865.3 (MANE Select); coding-DNA position 254, C replaced by A.
Protein change: p.Ser85Ter; replaces serine 85 with a stop codon.
Molecular consequence: nonsense.
Genome position (GRCh38, 1-based): chr3:57,198,856, G>T on the plus strand (C>A on the coding strand, the complement: HESX1 is on the minus strand). VCF-style: chr3-57198856-G-T. GRCh37 (hg19) VCF-style: chr3-57232884-G-T.
Other names: c.254C>A, p.Ser85Ter (NM_001376058.1, NM_001376059.1, NM_001376060.1 and 1 more transcripts); short protein forms S85*.
Identifiers: ClinVar variation 2294972 (VCV002294972.2), dbSNP rs149663188, ClinGen allele CA353401292.